The following is an entry in ClinVar:

NM_001035.3(RYR2):c.2239C>A (p.His747Asn)

Gene: RYR2 (ryanodine receptor 2; plus strand). Cytogenetic location: 1q43.
Variant type: single nucleotide variant.
Coding change: c.2239C>A on transcript NM_001035.3 (MANE Select); coding-DNA position 2239, C replaced by A.
Protein change: p.His747Asn; replaces histidine 747 with asparagine.
Molecular consequence: missense variant.
Genome position (GRCh38, 1-based): chr1:237,500,746, C>A. VCF-style: chr1-237500746-C-A. GRCh37 (hg19) VCF-style: chr1-237664046-C-A.
Other names: short protein forms H747N.
Identifiers: ClinVar variation 4825548 (VCV004825548.1).

ClinVar aggregate classification (germline): Uncertain significance (1 of 4 stars; one submission).

Conditions:
Cardiovascular phenotype. Identifiers: MedGen CN230736.

Submission:

Ambry Genetics
Classification: Uncertain significance for Cardiovascular phenotype. Last evaluated: 2026-02-15. Review status: criteria provided, single submitter. Criteria: Ambry Variant Classification Scheme 2023. Collection method: clinical testing. Allele origin: germline.
Comment: The p.H747N variant (also known as c.2239C>A), located in coding exon 21 of the RYR2 gene, results from a C to A substitution at nucleotide position 2239. The histidine at codon 747 is replaced by asparagine, an amino acid with similar properties. This amino acid position is conserved. In addition, the in silico prediction for this alteration is inconclusive. Based on the available evidence, the clinical significance of this variant remains unclear.